The following is an entry in ClinVar:

NM_182524.4(ZNF595):c.645= (p.Leu215=)

Gene: ZNF595 (zinc finger protein 595; plus strand). Cytogenetic location: 4p16.3.
Variant type: Variation.
Coding change: c.645= on transcript NM_182524.4 (MANE Select); coding-DNA position 645, no change from the reference sequence.
Protein change: p.Leu215=; no amino-acid change (leucine 215 retained).
Molecular consequence: no sequence alteration.
Genome position: GRCh38 VCF-style: chr4-86149-T-T. GRCh37 (hg19) VCF-style: chr4-86040-G-T.
Other names: c.549=, p.Leu183= (NM_001286052.2); c.96=, p.Leu32= (NM_001286053.2, NM_001286054.2).
Identifiers: ClinVar variation 4820698 (VCV004820698.4).

ClinVar aggregate classification (germline): Likely benign (1 of 4 stars; one submission).

Submission:

CeGaT Center for Human Genetics Tuebingen
Classification: Likely benign. Last evaluated: 2026-02-01. Review status: criteria provided, single submitter. Criteria: CeGaT Center For Human Genetics Tuebingen Variant Classification Criteria Version 2. Collection method: clinical testing. Allele origin: germline. Affected: yes. Observed: 1 variant allele.
Comment: ZNF595: PM2:Supporting, BP4, BP7